The following is an entry in ClinVar:

NM_016008.4(DYNC2LI1):c.518dup (p.Leu173fs)

Gene: DYNC2LI1 (dynein cytoplasmic 2 light intermediate chain 1; plus strand). Cytogenetic location: 2p21.
Variant type: Duplication.
Coding change: c.518dup on transcript NM_016008.4 (MANE Select); coding-DNA position 518, one base duplicated (T; older notation c.518dupT).
Protein change: p.Leu173fs; shifts the reading frame from leucine 173.
Molecular consequence: frameshift variant.
Genome position (GRCh38, 1-based): chr2:43,795,900, T duplicated; the last of 2 consecutive T bases (chr2:43,795,899-43,795,900); duplicating either gives the same sequence. VCF-style (leftmost placement, unchanged base first): chr2-43795898-A-AT. GRCh37 (hg19) VCF-style: chr2-44023037-A-AT.
Other names: c.521dup, p.Leu174fs (NM_001193464.2, NM_001348913.2); c.518dup, p.Leu173fs (NM_001348912.2); short protein forms L173fs, L174fs.
Identifiers: ClinVar variation 4781143 (VCV004781143.1).

ClinVar aggregate classification (germline): Pathogenic (1 of 4 stars; one submission).

Submission:

Labcorp Genetics (formerly Invitae), Labcorp
Classification: Pathogenic. Last evaluated: 2025-11-23. Review status: criteria provided, single submitter. Criteria: Invitae Variant Classification Sherloc (09022015). Collection method: clinical testing. Allele origin: germline.
Comment: This sequence change creates a premature translational stop signal (p.Leu173Phefs*3) in the DYNC2LI1 gene. It is expected to result in an absent or disrupted protein product. Loss-of-function variants in DYNC2LI1 are known to be pathogenic (PMID: 26077881, 26130459). This variant is present in population databases (no rsID available, gnomAD 0.009%). This variant has not been reported in the literature in individuals affected with DYNC2LI1-related conditions. Algorithms developed to predict the effect of sequence changes on RNA splicing suggest that this variant may disrupt the consensus splice site. For these reasons, this variant has been classified as Pathogenic.

Literature cited by the submitters: PubMed 26077881; PubMed 26130459.